The following is an entry in ClinVar:

ClinVar aggregate classification (germline): Uncertain significance (1 of 4 stars; one submission).

Allele frequency attached by ClinVar (database versions not stated): gnomAD exomes below 0.00001 and 0.00001; gnomAD 0.00001; TOPMed 0.00001.
gnomAD v4.1: 6 of 1,551,166 alleles (0.00039%); highest among the groups gnomAD compares: South Asian, 0.0036%; no homozygotes.

Submission:

Labcorp Genetics (formerly Invitae), Labcorp
Classification: Uncertain significance. Last evaluated: 2025-05-05. Review status: criteria provided, single submitter. Criteria: Invitae Variant Classification Sherloc (09022015). Collection method: clinical testing. Allele origin: germline.
Comment: This sequence change replaces serine, which is neutral and polar, with phenylalanine, which is neutral and non-polar, at codon 1347 of the EYS protein (p.Ser1347Phe). This variant is present in population databases (no rsID available, gnomAD 0.004%). This variant has not been reported in the literature in individuals affected with EYS-related conditions. ClinVar contains an entry for this variant (Variation ID: 1489231). Invitae Evidence Modeling of protein sequence and biophysical properties (such as structural, functional, and spatial information, amino acid conservation, physicochemical variation, residue mobility, and thermodynamic stability) indicates that this missense variant is not expected to disrupt EYS protein function with a negative predictive value of 80%. In summary, the available evidence is currently insufficient to determine the role of this variant in disease. Therefore, it has been classified as a Variant of Uncertain Significance.

NM_001142800.2(EYS):c.4040C>T (p.Ser1347Phe)

Gene: EYS (EGF-like photoreceptor maintenance factor; minus strand). Cytogenetic location: 6q12.
Variant type: single nucleotide variant.
Coding change: c.4040C>T on transcript NM_001142800.2 (MANE Select); coding-DNA position 4040, C replaced by T.
Protein change: p.Ser1347Phe; replaces serine 1347 with phenylalanine.
Molecular consequence: missense variant.
Genome position (GRCh38, 1-based): chr6:64,591,827, G>A on the plus strand (C>T on the coding strand, the complement: EYS is on the minus strand). VCF-style: chr6-64591827-G-A. GRCh37 (hg19) VCF-style: chr6-65301720-G-A.
Other names: c.4040C>T, p.Ser1347Phe (NM_001292009.2); short protein forms S1347F.
Identifiers: ClinVar variation 1489231 (VCV001489231.8), dbSNP rs1381182480, ClinGen allele CA364784168.